The following is an entry in ClinVar:

ClinVar aggregate classification (germline): Uncertain significance. Review status: criteria provided, multiple submitters, no conflicts (2 of 4 stars). 2 submissions from 2 submitters: Uncertain significance (2). Last evaluated 2022-04-27.

Conditions:
Aminoacylase 1 deficiency. Also called: Neurological conditions associated with aminoacylase 1 deficiency. Identifiers: Orphanet 137754, MedGen C1835922, MONDO:0012368, OMIM 609924.
Inborn genetic diseases. Identifiers: MedGen C0950123, MeSH D030342.

Allele frequency attached by ClinVar (database versions not stated): gnomAD exomes below 0.00001 and 0.00001; TOPMed below 0.00001; ExAC 0.00001.
gnomAD v4.1: 4 of 1,614,182 alleles (0.00025%); highest among the groups gnomAD compares: East Asian, 0.0022%; no homozygotes.

Submissions (2):

Ambry Genetics
Classification: Uncertain significance for Inborn genetic diseases. Last evaluated: 2022-04-27. Review status: criteria provided, single submitter. Criteria: Ambry Variant Classification Scheme 2023. Collection method: clinical testing. Allele origin: germline.
Comment: Occurs in the last base pair of the exon Based on insufficient or conflicting evidence, the clinical significance of this alteration remains unclear.

Mayo Clinic Laboratories, Mayo Clinic
Classification: Uncertain significance for Aminoacylase 1 deficiency. Last evaluated: 2016-12-15. Review status: criteria provided, single submitter. Criteria: ACMG Guidelines, 2015. Collection method: clinical testing. Allele origin: maternal.

NM_000666.3(ACY1):c.1001T>C (p.Met334Thr)

Genes: ABHD14A-ACY1 (ABHD14A-ACY1 readthrough; plus strand), ACY1 (aminoacylase 1; plus strand). Cytogenetic location: 3p21.2.
Variant type: single nucleotide variant.
Coding change: c.1001T>C on transcript NM_000666.3 (MANE Select); coding-DNA position 1001, T replaced by C.
Protein change: p.Met334Thr; replaces methionine 334 with threonine.
Molecular consequence: missense variant.
Genome position (GRCh38, 1-based): chr3:51,988,603, T>C. VCF-style: chr3-51988603-T-C. GRCh37 (hg19) VCF-style: chr3-52022619-T-C.
Other names: c.1271T>C, p.Met424Thr (NM_001316331.2); c.1001T>C, p.Met334Thr (NM_001198895.2); c.785T>C, p.Met262Thr (NM_001198896.2); c.806T>C, p.Met269Thr (NM_001198897.2); c.896T>C, p.Met299Thr (NM_001198898.2); short protein forms M334T, M424T, M262T, M269T, M299T.
Identifiers: ClinVar variation 547895 (VCV000547895.7), dbSNP rs750876815, ClinGen allele CA2428705.
Genomic context (GRCh38, chr3:51,988,603, plus strand): 5'-TGACACCTACTGATGACTCAAACCCTTGGTGGGCAGCTTTTAGCCGGGTCTGCAAGGATA[T>C]GTGAGCACGCTGGCCAGCTCTCCTCACAGCCCAGCCCCCTACTCCTCTCCTTCCTGCTGC-3'
Protein context (NP_000657.1, residues 324-344): WAAFSRVCKD[Met334Thr]NLTLEPEIMP